The following is an entry in ClinVar:

NM_024301.5(FKRP):c.245del (p.Ala82fs)

Gene: FKRP (fukutin related protein; plus strand). Cytogenetic location: 19q13.32.
Variant type: Deletion.
Coding change: c.245del on transcript NM_024301.5 (MANE Select); coding-DNA position 245, one base deleted (C; older notation c.245delC).
Protein change: p.Ala82fs; shifts the reading frame from alanine 82.
Molecular consequence: frameshift variant.
Genome position (GRCh38, 1-based): chr19:46,755,695, C deleted. VCF-style (leftmost placement, unchanged base first): chr19-46755694-GC-G. GRCh37 (hg19) VCF-style: chr19-47258951-GC-G.
Other names: c.245del, p.Ala82fs (NM_001039885.3); short protein forms A82fs.
Identifiers: ClinVar variation 3729601 (VCV003729601.2).
Genomic context (GRCh38, chr19:46,755,694, plus strand): 5'-GCGGTGCCCGAGCTGGTAGACTCCTTCCTGCAGCAAGACCCAGCCCAGCCCGTGGTGGTG[GC>G]AGCCGACACGCTCCCCTACCCGCCCCTGGCCCTGCCCCGCATCCCCAACGTGCGTCTGGC-3'

ClinVar aggregate classification (germline): Pathogenic (1 of 4 stars; one submission).

Conditions:
Walker-Warburg congenital muscular dystrophy. Also called: Muscular dystrophy-dystroglycanopathy, type A; Walker-Warburg syndrome. Identifiers: Orphanet 899, MedGen C0265221, MONDO:0000171.

Submission:

Labcorp Genetics (formerly Invitae), Labcorp
Classification: Pathogenic for Walker-Warburg congenital muscular dystrophy. Last evaluated: 2025-01-26. Review status: criteria provided, single submitter. Criteria: Invitae Variant Classification Sherloc (09022015). Collection method: clinical testing. Allele origin: germline.
Comment: This sequence change creates a premature translational stop signal (p.Ala82Glufs*47) in the FKRP gene. While this is not anticipated to result in nonsense mediated decay, it is expected to disrupt the last 414 amino acid(s) of the FKRP protein. This variant is not present in population databases (gnomAD no frequency). This variant has not been reported in the literature in individuals affected with FKRP-related conditions. This variant disrupts a region of the FKRP protein in which other variant(s) (p.Ile478Thr) have been determined to be pathogenic (PMID: 16476814, 18639457, 19299310). This suggests that this is a clinically significant region of the protein, and that variants that disrupt it are likely to be disease-causing. For these reasons, this variant has been classified as Pathogenic.

Literature cited by the submitters: PubMed 16476814; PubMed 18639457; PubMed 19299310.